The following is an entry in ClinVar:

NM_005618.4(DLL1):c.1570C>A (p.Pro524Thr)

Gene: DLL1 (delta like canonical Notch ligand 1; minus strand). Cytogenetic location: 6q27.
Variant type: single nucleotide variant.
Coding change: c.1570C>A on transcript NM_005618.4 (MANE Select); coding-DNA position 1570, C replaced by A.
Protein change: p.Pro524Thr; replaces proline 524 with threonine.
Molecular consequence: missense variant.
Genome position (GRCh38, 1-based): chr6:170,283,709, G>T on the plus strand (C>A on the coding strand, the complement: DLL1 is on the minus strand). VCF-style: chr6-170283709-G-T. GRCh37 (hg19) VCF-style: chr6-170592797-G-T.
Other names: short protein forms P524T.
Identifiers: ClinVar variation 3605778 (VCV003605778.2).

ClinVar aggregate classification (germline): Uncertain significance (1 of 4 stars; one submission).

gnomAD v4.1: 1 of 1,551,618 alleles (0.000064%); highest among the groups gnomAD compares: Non-Finnish European, 0.000087%; no homozygotes.

Submission:

Labcorp Genetics (formerly Invitae), Labcorp
Classification: Uncertain significance. Last evaluated: 2024-02-17. Review status: criteria provided, single submitter. Criteria: Invitae Variant Classification Sherloc (09022015). Collection method: clinical testing. Allele origin: germline.
Comment: This sequence change replaces proline, which is neutral and non-polar, with threonine, which is neutral and polar, at codon 524 of the DLL1 protein (p.Pro524Thr). This variant is not present in population databases (gnomAD no frequency). This variant has not been reported in the literature in individuals affected with DLL1-related conditions. An algorithm developed to predict the effect of missense changes on protein structure and function (PolyPhen-2) suggests that this variant is likely to be tolerated. In summary, the available evidence is currently insufficient to determine the role of this variant in disease. Therefore, it has been classified as a Variant of Uncertain Significance.